The following is an entry in ClinVar:

NM_001367549.1(ATP13A3):c.1309G>A (p.Val437Ile)

Genes: ATP13A3 (ATPase 13A3; minus strand), LOC126806918 (CDK7 strongly-dependent group 2 enhancer GRCh37_chr3:194167532-194168731; plus strand). Cytogenetic location: 3q29.
Variant type: single nucleotide variant.
Coding change: c.1309G>A on transcript NM_001367549.1 (MANE Select); coding-DNA position 1309, G replaced by A.
Protein change: p.Val437Ile; replaces valine 437 with isoleucine.
Molecular consequence: missense variant. On other transcripts: non-coding transcript variant (2).
Genome position (GRCh38, 1-based): chr3:194,447,115, C>T on the plus strand (G>A on the coding strand, the complement: ATP13A3 is on the minus strand). VCF-style: chr3-194447115-C-T. GRCh37 (hg19) VCF-style: chr3-194167844-C-T.
Other names: c.1228G>A, p.Val410Ile (NM_001374836.1); c.1309G>A, p.Val437Ile (NM_024524.4); short protein forms V437I, V410I.
Identifiers: ClinVar variation 3001830 (VCV003001830.3), dbSNP rs766589100, ClinGen allele CA2761991.

ClinVar aggregate classification (germline): Uncertain significance (1 of 4 stars; one submission).

Allele frequency attached by ClinVar (database versions not stated): gnomAD exomes below 0.00001; ExAC 0.00001.
gnomAD v4.1: 3 of 1,599,252 alleles (0.00019%); highest among the groups gnomAD compares: Admixed American, 0.0018%; no homozygotes.

Submission:

Labcorp Genetics (formerly Invitae), Labcorp
Classification: Uncertain significance. Last evaluated: 2023-05-31. Review status: criteria provided, single submitter. Criteria: Invitae Variant Classification Sherloc (09022015). Collection method: clinical testing. Allele origin: germline.
Comment: In summary, the available evidence is currently insufficient to determine the role of this variant in disease. Therefore, it has been classified as a Variant of Uncertain Significance. This sequence change replaces valine, which is neutral and non-polar, with isoleucine, which is neutral and non-polar, at codon 437 of the ATP13A3 protein (p.Val437Ile). This variant is present in population databases (rs766589100, gnomAD 0.003%). This variant has not been reported in the literature in individuals affected with ATP13A3-related conditions. An algorithm developed to predict the effect of missense changes on protein structure and function (PolyPhen-2) suggests that this variant is likely to be tolerated.